The following is an entry in ClinVar:

NM_017617.5(NOTCH1):c.5879T>C (p.Met1960Thr)

Gene: NOTCH1 (notch receptor 1; minus strand). Cytogenetic location: 9q34.3.
Variant type: single nucleotide variant.
Coding change: c.5879T>C on transcript NM_017617.5 (MANE Select); coding-DNA position 5879, T replaced by C.
Protein change: p.Met1960Thr; replaces methionine 1960 with threonine.
Molecular consequence: missense variant.
Genome position (GRCh38, 1-based): chr9:136,500,607, A>G on the plus strand (T>C on the coding strand, the complement: NOTCH1 is on the minus strand). VCF-style: chr9-136500607-A-G. GRCh37 (hg19) VCF-style: chr9-139395059-A-G.
Other names: short protein forms M1960T.
Identifiers: ClinVar variation 4743201 (VCV004743201.1).

ClinVar aggregate classification (germline): Uncertain significance (1 of 4 stars; one submission).

Conditions:
Adams-Oliver syndrome 5 (AOS5). Identifiers: Orphanet 974, MedGen C4014970, MONDO:0014459, OMIM 616028.

Submission:

Labcorp Genetics (formerly Invitae), Labcorp
Classification: Uncertain significance for Adams-Oliver syndrome 5. Last evaluated: 2026-01-19. Review status: criteria provided, single submitter. Criteria: Invitae Variant Classification Sherloc (09022015). Collection method: clinical testing. Allele origin: germline.
Comment: This sequence change replaces methionine, which is neutral and non-polar, with threonine, which is neutral and polar, at codon 1960 of the NOTCH1 protein (p.Met1960Thr). This variant is not present in population databases (gnomAD no frequency). This variant has not been reported in the literature in individuals affected with NOTCH1-related conditions. Invitae Evidence Modeling of protein sequence and biophysical properties (such as structural, functional, and spatial information, amino acid conservation, physicochemical variation, residue mobility, and thermodynamic stability) indicates that this missense variant is not expected to disrupt NOTCH1 protein function with a negative predictive value of 80%. In summary, the available evidence is currently insufficient to determine the role of this variant in disease. Therefore, it has been classified as a Variant of Uncertain Significance.